The following is an entry in ClinVar:

NM_005676.5(RBM10):c.1312T>A (p.Tyr438Asn)

Gene: RBM10 (RNA binding motif protein 10; plus strand). Cytogenetic location: Xp11.3.
Variant type: single nucleotide variant.
Coding change: c.1312T>A on transcript NM_005676.5 (MANE Select); coding-DNA position 1312, T replaced by A.
Protein change: p.Tyr438Asn; replaces tyrosine 438 with asparagine.
Molecular consequence: missense variant.
Genome position (GRCh38, 1-based): chrX:47,181,278, T>A. VCF-style: chrX-47181278-T-A. GRCh37 (hg19) VCF-style: chrX-47040677-T-A.
Other names: c.1081T>A, p.Tyr361Asn (NM_001204466.2); c.1309T>A, p.Tyr437Asn (NM_001204467.2); c.1507T>A, p.Tyr503Asn (NM_001204468.2); c.1078T>A, p.Tyr360Asn (NM_152856.3); short protein forms Y437N, Y360N, Y361N, Y438N, Y503N.
Identifiers: ClinVar variation 2099648 (VCV002099648.4), dbSNP rs2147184562, ClinGen allele CA412800741.

ClinVar aggregate classification (germline): Uncertain significance (1 of 4 stars; one submission).

Submission:

Labcorp Genetics (formerly Invitae), Labcorp
Classification: Uncertain significance. Last evaluated: 2022-04-06. Review status: criteria provided, single submitter. Criteria: Invitae Variant Classification Sherloc (09022015). Collection method: clinical testing. Allele origin: germline.
Comment: This variant is not present in population databases (gnomAD no frequency). This sequence change replaces tyrosine, which is neutral and polar, with asparagine, which is neutral and polar, at codon 438 of the RBM10 protein (p.Tyr438Asn). This variant has not been reported in the literature in individuals affected with RBM10-related conditions. In summary, the available evidence is currently insufficient to determine the role of this variant in disease. Therefore, it has been classified as a Variant of Uncertain Significance. Algorithms developed to predict the effect of missense changes on protein structure and function are either unavailable or do not agree on the potential impact of this missense change (SIFT: "Deleterious"; PolyPhen-2: "Probably Damaging"; Align-GVGD: "Class C0").